The following is an entry in ClinVar:

NM_133459.4(CCBE1):c.654+5G>C

Gene: CCBE1 (collagen and calcium binding EGF domains 1; minus strand). Cytogenetic location: 18q21.32.
Variant type: single nucleotide variant.
Coding change: c.654+5G>C on transcript NM_133459.4 (MANE Select); 5 bases into the intron after coding-DNA position 654, G replaced by C.
Molecular consequence: intron variant.
Genome position (GRCh38, 1-based): chr18:59,454,846, C>G on the plus strand (G>C on the coding strand, the complement: CCBE1 is on the minus strand). VCF-style: chr18-59454846-C-G. GRCh37 (hg19) VCF-style: chr18-57122078-C-G.
Other names: c.654+5G>C (NM_133459.3).
Identifiers: ClinVar variation 1525144 (VCV001525144.8), dbSNP rs150596993, ClinGen allele CA8980394.

ClinVar aggregate classification (germline): Conflicting classifications of pathogenicity. Review status: criteria provided, conflicting classifications (1 of 4 stars). 4 submissions from 4 submitters: Uncertain significance (3); Likely benign (1). Last evaluated 2025-12-31.

Conditions:
CCBE1-related disorder. Also called: CCBE1-related condition.
Hennekam lymphangiectasia-lymphedema syndrome 1 (HKLLS1). Also called: LYMPHATIC DYSPLASIA, GENERALIZED. Identifiers: Orphanet 2136, MedGen C4012050, MONDO:0009337, OMIM 235510.

Allele frequency attached by ClinVar (database versions not stated): 1000 Genomes Project 30x 0.00016.
gnomAD v4.1: 242 of 1,613,308 alleles (0.015%); highest among the groups gnomAD compares: East Asian, 0.16%; no homozygotes.

Submissions (4):

Clinical Genomics Laboratory, Washington University in St. Louis
Classification: Uncertain significance for Hennekam lymphangiectasia-lymphedema syndrome 1. Last evaluated: 2025-12-31. Review status: criteria provided, single submitter. Criteria: ACMG Guidelines, 2015. Collection method: clinical testing. Allele origin: germline.
Comment: A CCBE1 c.654+5G>C variant was identified at a near heterozygous allelic fraction of 46%, a frequency which may be consistent with it being of germline origin. This variant, to our knowledge, has not been reported in the medical literature but has been reported in the ClinVar database as a variant of uncertain significance by two submitters (ClinVar Variation ID: 1525144). It is observed in 242/1,613,308 alleles in the general population (gnomAD v4.1.0). Computational predictors indicate that the variant has no impact on splicing, evidence that this variant does not have a damaging effect on CCBE1 function. Due to limited information, and based on ACMG/AMP guidelines for variant interpretation (Richards S et al., PMID: 25741868), the clinical significance of this variant is uncertain at this time.

PreventionGenetics, part of Exact Sciences
Classification: Likely benign for CCBE1-related condition. Last evaluated: 2025-08-20. Review status: criteria provided, single submitter. Criteria: ACMG Guidelines, 2015. Collection method: clinical testing. Allele origin: germline.
Comment: This variant is classified as likely benign based on ACMG/AMP sequence variant interpretation guidelines (Richards et al. 2015 PMID: 25741868, with internal and published modifications).

Labcorp Genetics (formerly Invitae), Labcorp
Classification: Uncertain significance. Last evaluated: 2025-01-02. Review status: criteria provided, single submitter. Criteria: Invitae Variant Classification Sherloc (09022015). Collection method: clinical testing. Allele origin: germline.
Comment: This sequence change falls in intron 6 of the CCBE1 gene. It does not directly change the encoded amino acid sequence of the CCBE1 protein. It affects a nucleotide within the consensus splice site. This variant is present in population databases (rs150596993, gnomAD 0.2%). This variant has not been reported in the literature in individuals affected with CCBE1-related conditions. ClinVar contains an entry for this variant (Variation ID: 1525144). Variants that disrupt the consensus splice site are a relatively common cause of aberrant splicing (PMID: 17576681, 9536098). Algorithms developed to predict the effect of sequence changes on RNA splicing suggest that this variant is not likely to affect RNA splicing. In summary, the available evidence is currently insufficient to determine the role of this variant in disease. Therefore, it has been classified as a Variant of Uncertain Significance.

Fulgent Genetics
Classification: Uncertain significance for Hennekam lymphangiectasia-lymphedema syndrome 1. Last evaluated: 2022-03-16. Review status: criteria provided, single submitter. Criteria: ACMG Guidelines, 2015. Collection method: clinical testing. Allele origin: unknown.

Literature cited by the submitters: PubMed 17576681 (cited by Labcorp Genetics (formerly Invitae), Labcorp); PubMed 9536098 (cited by Labcorp Genetics (formerly Invitae), Labcorp).